The following is an entry in ClinVar:

NM_001267550.2(TTN):c.9577_9613del (p.Arg3193fs)

Gene: TTN (titin; minus strand). Cytogenetic location: 2q31.2.
Variant type: Deletion.
Coding change: c.9577_9613del on transcript NM_001267550.2 (MANE Select); coding-DNA positions 9577 to 9613, 37 bases deleted.
Protein change: p.Arg3193fs; shifts the reading frame from arginine 3193.
Molecular consequence: frameshift variant.
Genome position (GRCh38, 1-based): chr2:178,766,471-178,766,507, 37 bases deleted; deleting any 37 consecutive bases within chr2:178,766,471-178,766,510 gives the same sequence; the c. name uses the placement nearest the transcript's 3' end. GRCh37 (hg19): chr2:179,631,201-179,631,237.
Other names: c.9577_9613del, p.Arg3193fs (NM_001256850.1, NM_133378.4, NM_133379.5); c.9439_9475del, p.Arg3147fs (NM_003319.4, NM_133432.3, NM_133437.4); short protein forms R3147fs, R3193fs.
Identifiers: ClinVar variation 3755653 (VCV003755653.3).

ClinVar aggregate classification (germline): Likely pathogenic. Review status: criteria provided, multiple submitters, no conflicts (2 of 4 stars). 2 submissions from 2 submitters: Likely pathogenic (2). Last evaluated 2026-01-20.

Conditions:
Autosomal recessive limb-girdle muscular dystrophy type 2J (LGMDR10). Also called: Limb-girdle muscular dystrophy, type 2J; MUSCULAR DYSTROPHY, LIMB-GIRDLE, AUTOSOMAL RECESSIVE 10. Identifiers: Orphanet 140922, MedGen C1837342, MONDO:0012127, OMIM 608807.
Dilated cardiomyopathy 1G (CMD1G). Identifiers: Orphanet 154, MedGen C1858763, MONDO:0011400, OMIM 604145.

Submissions (2):

Variantyx, Inc.
Classification: Likely pathogenic for Dilated cardiomyopathy 1G. Last evaluated: 2026-01-20. Review status: criteria provided, single submitter. Criteria: Variantyx Assertion Criteria 2022. Collection method: clinical testing. Allele origin: germline. Inheritance: Autosomal dominant inheritance. Affected: yes.
Comment: This is a frameshift variant in the TTN gene (OMIM: 188840). Pathogenic variants in this gene have been associated with autosomal dominant dilated cardiomyopathy 1G. This variant introduces a premature termination codon in exon 41 out of 363 (PSI=100), which is located within the I-band of titin and is expected to result in loss of function, a known disease mechanism for TTN in this disorder (PMID: 27869827, 33226272) (PVS1). This variant is absent from control populations (PM2). Based on the current evidence, this variant is classified as likely pathogenic for autosomal dominant dilated cardiomyopathy 1G. This finding also represents carrier status for autosomal recessive limb-girdle muscular dystrophy 10.

Labcorp Genetics (formerly Invitae), Labcorp
Classification: Likely pathogenic for Dilated cardiomyopathy 1G; Autosomal recessive limb-girdle muscular dystrophy type 2J. Last evaluated: 2025-09-24. Review status: criteria provided, single submitter. Criteria: Invitae Variant Classification Sherloc (09022015). Collection method: clinical testing. Allele origin: germline.
Comment: This sequence change creates a premature translational stop signal (p.Arg3193Cysfs*57) in the TTN gene. While this is not anticipated to result in nonsense mediated decay, it is expected to create a truncated TTN protein. This variant is not present in population databases (gnomAD no frequency). This variant has not been observed in the literature in individuals with autosomal recessive TTN-related conditions. This variant has been reported in individual(s) with nonischemic cardiomyopathy (internal data); however, the role of the variant in this condition is currently unclear. ClinVar contains an entry for this variant (Variation ID: 3755653). This variant is located in the I band of TTN (PMID: 25589632). Truncating variants in this region have been reported in individuals affected with autosomal recessive centronuclear myopathy (PMID: 23975875, internal data). Truncating variants in this region have also been identified in individuals affected with autosomal dominant dilated cardiomyopathy and/or cardio-related conditions (PMID: 27869827, 32964742, internal data). In summary, the currently available evidence indicates that the variant is pathogenic, but additional data are needed to prove that conclusively. Therefore, this variant has been classified as Likely Pathogenic.

Literature cited by the submitters: PubMed 27869827 (cited by Variantyx, Inc. and Labcorp Genetics (formerly Invitae), Labcorp); PubMed 33226272 (cited by Variantyx, Inc.); PubMed 25589632 (cited by Labcorp Genetics (formerly Invitae), Labcorp); PubMed 23975875 (cited by Labcorp Genetics (formerly Invitae), Labcorp); PubMed 32964742 (cited by Labcorp Genetics (formerly Invitae), Labcorp).